The following is an entry in ClinVar:

NM_001130987.2(DYSF):c.1117dup (p.Leu373fs)

Gene: DYSF (dysferlin; plus strand). Cytogenetic location: 2p13.2.
Variant type: Duplication.
Coding change: c.1117dup on transcript NM_001130987.2 (MANE Select); coding-DNA position 1117, one base duplicated (C; older notation c.1117dupC).
Protein change: p.Leu373fs; shifts the reading frame from leucine 373.
Molecular consequence: frameshift variant.
Genome position (GRCh38, 1-based): chr2:71,520,872, C duplicated; the last of 2 consecutive C bases (chr2:71,520,871-71,520,872); duplicating either gives the same sequence. VCF-style (leftmost placement, unchanged base first): chr2-71520870-G-GC. GRCh37 (hg19) VCF-style: chr2-71748000-G-GC.
Other names: c.1021dupC (NM_003494.3); c.1024dup, p.Leu342fs (NM_001130455.2, NM_001130983.2, NM_001130984.2 and 1 more transcripts); c.1021dup, p.Leu341fs (NM_001130976.2, NM_001130977.2, NM_001130978.2 and 1 more transcripts); c.1114dup, p.Leu372fs (NM_001130979.2, NM_001130980.2, NM_001130981.2); c.1117dup, p.Leu373fs (NM_001130982.2, NM_001130985.2); short protein forms L341fs, L372fs, L373fs, L342fs.
Identifiers: ClinVar variation 1455583 (VCV001455583.7), dbSNP rs2087187562, ClinGen allele CA2573135843.

ClinVar aggregate classification (germline): Pathogenic/Likely pathogenic. Review status: criteria provided, multiple submitters, no conflicts (2 of 4 stars). 2 submissions from 2 submitters: Pathogenic (1); Likely pathogenic (1). Last evaluated 2024-04-05.

Conditions:
Neuromuscular disease caused by qualitative or quantitative defects of dysferlin. Also called: Qualitative or quantitative defects of dysferlin; Dysferlinopathy. Identifiers: Orphanet 207073, MedGen C2931687, MONDO:0016145.
Autosomal recessive limb-girdle muscular dystrophy type 2B (LGMDR2). Also called: Limb-Girdle Muscular Dystrophy Type 2B (LGMD2B); MUSCULAR DYSTROPHY, LIMB-GIRDLE, TYPE 3; Limb-girdle muscular dystrophy, type 2B; MUSCULAR DYSTROPHY, LIMB-GIRDLE, AUTOSOMAL RECESSIVE 2. Identifiers: Orphanet 268, MedGen C1850889, MONDO:0009676, OMIM 253601.

Submissions (2):

Natera, Inc.
Classification: Likely pathogenic for Limb-girdle muscular dystrophy type 2B. Last evaluated: 2024-04-05. Review status: criteria provided, single submitter. Criteria: Natera Variant Classification Schema (03/2026). Collection method: clinical testing. Allele origin: germline.
Comment: The c.1021dupC variant in DYSF is a frameshift variant predicted to shift the reading frame beginning at codon 341 and leads to a stop codon 19 codons downstream. This variant is expected to result in nonsense mediated decay, truncation, or a dysfunctional protein product. This variant is rare in the general population with a frequency below the threshold expected for the associated phenotype(s). Given the available evidence, this variant is classified as Likely Pathogenic.

Labcorp Genetics (formerly Invitae), Labcorp
Classification: Pathogenic for Neuromuscular disease caused by qualitative or quantitative defects of dysferlin. Last evaluated: 2021-07-08. Review status: criteria provided, single submitter. Criteria: Invitae Variant Classification Sherloc (09022015). Collection method: clinical testing. Allele origin: germline.
Comment: This sequence change creates a premature translational stop signal (p.Leu341Profs*19) in the DYSF gene. It is expected to result in an absent or disrupted protein product. Loss-of-function variants in DYSF are known to be pathogenic (PMID: 17698709, 20301480). This variant is not present in population databases (ExAC no frequency). This variant has not been reported in the literature in individuals affected with DYSF-related conditions. For these reasons, this variant has been classified as Pathogenic.

Literature cited by the submitters: PubMed 17698709 (cited by Labcorp Genetics (formerly Invitae), Labcorp); PubMed 20301480 (cited by Labcorp Genetics (formerly Invitae), Labcorp).